The following is an entry in ClinVar:

NM_004370.6(COL12A1):c.4131C>G (p.Asn1377Lys)

Gene: COL12A1 (collagen type XII alpha 1 chain; minus strand). Cytogenetic location: 6q13.
Variant type: single nucleotide variant.
Coding change: c.4131C>G on transcript NM_004370.6 (MANE Select); coding-DNA position 4131, C replaced by G.
Protein change: p.Asn1377Lys; replaces asparagine 1377 with lysine.
Molecular consequence: missense variant.
Genome position (GRCh38, 1-based): chr6:75,151,157, G>C on the plus strand (C>G on the coding strand, the complement: COL12A1 is on the minus strand). VCF-style: chr6-75151157-G-C. GRCh37 (hg19) VCF-style: chr6-75860873-G-C.
Other names: c.4131C>G (NM_004370.5); c.639C>G, p.Asn213Lys (NM_080645.3, NM_001424116.1); c.4131C>G, p.Asn1377Lys (NM_001424113.1, NM_001424114.1); c.3858C>G, p.Asn1286Lys (NM_001424115.1); short protein forms N1286K, N1377K, N213K.
Identifiers: ClinVar variation 3750531 (VCV003750531.3).

ClinVar aggregate classification (germline): Uncertain significance. Review status: criteria provided, multiple submitters, no conflicts (2 of 4 stars). 2 submissions from 2 submitters: Uncertain significance (2). Last evaluated 2026-02-24.

Conditions:
Ullrich congenital muscular dystrophy 2 (UCMD2). Identifiers: Orphanet 75840, MedGen C4225314, MONDO:0014654, OMIM 616470.
Bethlem myopathy 2 (BTHLM2). Identifiers: Orphanet 536516, Orphanet 610, MedGen C4225313, MONDO:0034022, OMIM 616471.
Inborn genetic diseases. Identifiers: MedGen C0950123, MeSH D030342.

gnomAD v4.1: 2 of 1,595,298 alleles (0.00013%); highest among the groups gnomAD compares: African/African-American, 0.0014%; no homozygotes.

Submissions (2):

Ambry Genetics
Classification: Uncertain significance for Inborn genetic diseases. Last evaluated: 2026-02-24. Review status: criteria provided, single submitter. Criteria: Ambry Variant Classification Scheme 2023. Collection method: clinical testing. Allele origin: germline.

Labcorp Genetics (formerly Invitae), Labcorp
Classification: Uncertain significance for Bethlem myopathy 2; Ullrich congenital muscular dystrophy 2. Last evaluated: 2025-01-24. Review status: criteria provided, single submitter. Criteria: Invitae Variant Classification Sherloc (09022015). Collection method: clinical testing. Allele origin: germline.
Comment: This sequence change replaces asparagine, which is neutral and polar, with lysine, which is basic and polar, at codon 1377 of the COL12A1 protein (p.Asn1377Lys). This variant is present in population databases (rs757142035, gnomAD 0.003%). This variant has not been reported in the literature in individuals affected with COL12A1-related conditions. Invitae Evidence Modeling of protein sequence and biophysical properties (such as structural, functional, and spatial information, amino acid conservation, physicochemical variation, residue mobility, and thermodynamic stability) indicates that this missense variant is not expected to disrupt COL12A1 protein function with a negative predictive value of 80%. In summary, the available evidence is currently insufficient to determine the role of this variant in disease. Therefore, it has been classified as a Variant of Uncertain Significance.